The following is an entry in ClinVar:

NM_000142.5(FGFR3):c.1000G>A (p.Ala334Thr)

Gene: FGFR3 (fibroblast growth factor receptor 3; plus strand). Cytogenetic location: 4p16.3.
Variant type: single nucleotide variant.
Coding change: c.1000G>A on transcript NM_000142.5 (MANE Select); coding-DNA position 1000, G replaced by A.
Protein change: p.Ala334Thr; replaces alanine 334 with threonine.
Molecular consequence: missense variant. On other transcripts: non-coding transcript variant (1), intron variant (2).
Genome position (GRCh38, 1-based): chr4:1,803,761, G>A. VCF-style: chr4-1803761-G-A. GRCh37 (hg19) VCF-style: chr4-1805488-G-A.
Other names: c.1000G>A, p.Ala334Thr (NM_001354809.2, NM_001354810.2); c.1082-569G>A (NM_001163213.2); c.931-1063G>A (NM_022965.4); short protein forms A334T.
Identifiers: ClinVar variation 29703 (VCV000029703.3), dbSNP rs373496046, ClinGen allele CA128567.

ClinVar aggregate classification (germline): Uncertain significance. Review status: criteria provided, single submitter (1 of 4 stars). 2 submissions from 2 submitters: Uncertain significance (1). 1 of the submissions does not count toward it. Last evaluated 2026-06-23.

Conditions:
FGFR3-related chondrodysplasia. Identifiers: Orphanet 93420, MedGen C5681604, MONDO:0019685.
Variant of unknown significance. Identifiers: MedGen C2986382.

Allele frequency attached by ClinVar (database versions not stated): ESP Exome Variant Server 0.00008; gnomAD exomes below 0.00001.
gnomAD v4.1: 6 of 1,614,088 alleles (0.00037%); highest among the groups gnomAD compares: East Asian, 0.0022%; no homozygotes.

Submissions (2):

Genomenon, Inc
Classification: Uncertain significance for FGFR3-related chondrodysplasia. Last evaluated: 2026-06-23. Review status: criteria provided, single submitter. Criteria: Genomenon Sequence Variant Interpretation Standards - Updated. Collection method: curation. Allele origin: germline. Affected: no.
Comment: FGFR3 p.Ala334Thr (c.1000G>A) is a missense variant that changes the amino acid at codon 334 from Alanine to Threonine. This variant has been reported in the published literature (PMID:38411226;22038757;35210354;29150894;25271085). It is absent or not present at a significant frequency in gnomAD. In conclusion, we classify FGFR3 p.Ala334Thr (c.1000G>A) as a variant of uncertain significance.

OMIM
Classification: Uncertain significance for VARIANT OF UNKNOWN SIGNIFICANCE. Last evaluated: 2011-12-01. Review status: no assertion criteria provided. Collection method: literature only. Allele origin: germline. Not counted in ClinVar's aggregate classification.

Literature cited by the submitters: PubMed 38411226 (cited by Genomenon, Inc); PubMed 22038757 (cited by Genomenon, Inc and OMIM); PubMed 35210354 (cited by Genomenon, Inc); PubMed 29150894 (cited by Genomenon, Inc); PubMed 26910679 (cited by Genomenon, Inc); PubMed 25114206 (cited by Genomenon, Inc); PubMed 25271085 (cited by Genomenon, Inc); PubMed 20643727 (cited by OMIM).